The following is an entry in ClinVar:

ClinVar aggregate classification (germline): Likely pathogenic (1 of 4 stars; one submission).

Conditions:
Mitochondrial complex IV deficiency, nuclear type 1 (MC4DN1). Also called: COX DEFICIENCY; Mitochondrial complex IV deficiency; Complex 4 mitochondrial respiratory chain deficiency; Deficiency of mitochondrial respiratory chain complex4; Complex IV deficiency. Identifiers: MedGen C5435656, MONDO:0700250, OMIM 220110. Disease mechanism: loss of function.

Submission:

Women's Health and Genetics/Laboratory Corporation of America, LabCorp
Classification: Likely pathogenic for Mitochondrial complex IV deficiency, nuclear type 1. Last evaluated: 2025-10-30. Review status: criteria provided, single submitter. Criteria: LabCorp Variant Classification Summary - May 2015. Collection method: clinical testing. Allele origin: germline.
Comment: Variant summary: SCO1 c.685G>A (p.Gly229Ser) results in a non-conservative amino acid change in the encoded protein sequence. Algorithms developed to predict the effect of missense changes on protein structure and function all suggest that this variant is likely to be disruptive. The variant was absent in 251490 control chromosomes. c.685G>A has been observed in individual(s) affected with Mitochondrial complex IV deficiency, nuclear type 1 (Barbato_2024). These data indicate that the variant is likely to be associated with disease. To our knowledge, no experimental evidence demonstrating an impact on protein function has been reported. The following publication have been ascertained in the context of this evaluation (PMID: 39214134). No submitters have cited clinical-significance assessments for this variant to ClinVar. Based on the evidence outlined above, the variant was classified as likely pathogenic.

Literature cited by the submitters: PubMed 39214134.

NM_004589.4(SCO1):c.685G>A (p.Gly229Ser)

Gene: SCO1 (synthesis of cytochrome C oxidase 1; minus strand). Cytogenetic location: 17p13.1.
Variant type: single nucleotide variant.
Coding change: c.685G>A on transcript NM_004589.4 (MANE Select); coding-DNA position 685, G replaced by A.
Protein change: p.Gly229Ser; replaces glycine 229 with serine.
Molecular consequence: missense variant.
Genome position (GRCh38, 1-based): chr17:10,686,813, C>T on the plus strand (G>A on the coding strand, the complement: SCO1 is on the minus strand). VCF-style: chr17-10686813-C-T. GRCh37 (hg19) VCF-style: chr17-10590130-C-T.
Other names: short protein forms G229S.
Identifiers: ClinVar variation 4687312 (VCV004687312.1).
Genomic context (GRCh38, chr17:10,686,813, plus strand): 5'-GGCCAGGGCTGTAATACACTCTGTATGCTCTGGCCACTTGATCGACCTCTTCTCTCGTGC[C>T]AGTCAAGCCAACCAGTTTGGGAGAAAATTCTAAATAAAAAATGAGAGAGACAGTGAAAAA-3'
Protein context (NP_004580.1, residues 219-239): EFSPKLVGLT[Gly229Ser]TREEVDQVAR